The following is an entry in ClinVar:

ClinVar aggregate classification (germline): Likely benign. Review status: criteria provided, multiple submitters, no conflicts (2 of 4 stars). 3 submissions from 3 submitters: Likely benign (3). Last evaluated 2025-09-17.

Conditions:
MYOZ2-related disorder. Also called: MYOZ2-related condition.
Cardiovascular phenotype. Identifiers: MedGen CN230736.
Hypertrophic cardiomyopathy. Also called: HYPERTROPHIC MYOCARDIOPATHY. Identifiers: Orphanet 217569, MedGen C0007194, MeSH D002312, MONDO:0005045, HP:0001639.

Allele frequency attached by ClinVar (database versions not stated): 1000 Genomes Project 30x 0.00016; 1000 Genomes Project 0.00020.
gnomAD v4.1: 21 of 1,614,060 alleles (0.0013%); highest among the groups gnomAD compares: Admixed American, 0.02%; no homozygotes.

Submissions (3):

PreventionGenetics, part of Exact Sciences
Classification: Likely benign for MYOZ2-related condition. Last evaluated: 2025-09-17. Review status: criteria provided, single submitter. Criteria: ACMG Guidelines, 2015. Collection method: clinical testing. Allele origin: germline.
Comment: This variant is classified as likely benign based on ACMG/AMP sequence variant interpretation guidelines (Richards et al. 2015 PMID: 25741868, with internal and published modifications).

Labcorp Genetics (formerly Invitae), Labcorp
Classification: Likely benign for Hypertrophic cardiomyopathy. Last evaluated: 2024-04-16. Review status: criteria provided, single submitter. Criteria: Invitae Variant Classification Sherloc (09022015). Collection method: clinical testing. Allele origin: germline.

Ambry Genetics
Classification: Likely benign for Cardiovascular phenotype. Last evaluated: 2022-05-24. Review status: criteria provided, single submitter. Criteria: Ambry Variant Classification Scheme 2023. Collection method: clinical testing. Allele origin: germline.

NM_016599.5(MYOZ2):c.447A>G (p.Gln149=)

Gene: MYOZ2 (myozenin 2; plus strand). Cytogenetic location: 4q26.
Variant type: single nucleotide variant.
Coding change: c.447A>G on transcript NM_016599.5 (MANE Select); coding-DNA position 447, A replaced by G.
Protein change: p.Gln149=; no amino-acid change (glutamine 149 retained).
Molecular consequence: synonymous variant.
Genome position (GRCh38, 1-based): chr4:119,164,281, A>G. VCF-style: chr4-119164281-A-G. GRCh37 (hg19) VCF-style: chr4-120085436-A-G.
Identifiers: ClinVar variation 1617493 (VCV001617493.11), dbSNP rs200077093, ClinGen allele CA3058638.